The following is an entry in ClinVar:

ClinVar aggregate classification (germline): Uncertain significance. Review status: criteria provided, multiple submitters, no conflicts (2 of 4 stars). 3 submissions from 3 submitters: Uncertain significance (2). 1 of the submissions does not count toward it. Last evaluated 2023-10-27.

Conditions:
Primary hyperoxaluria, type I (HP1). Also called: Primary hyperoxaluria type 1; GLYCOLIC ACIDURIA; HEPATIC AGT DEFICIENCY; OXALOSIS I. Identifiers: Orphanet 416, Orphanet 93598, MedGen C0268164, MONDO:0009823, OMIM 259900. Disease mechanism: loss of function.

Allele frequency attached by ClinVar (database versions not stated): ExAC 0.00002; gnomAD exomes 0.00004; gnomAD 0.00005 and 0.00006; TOPMed 0.00005; ESP Exome Variant Server 0.00008.
gnomAD v4.1: 42 of 1,612,942 alleles (0.0026%); highest among the groups gnomAD compares: Middle Eastern, 0.033%; no homozygotes.

Submissions (3):

Clinical Biochemistry Laboratory, Health Services Laboratory
Classification: Uncertain significance for Primary hyperoxaluria, type I. Last evaluated: 2023-10-27. Review status: criteria provided, single submitter. Criteria: ACMG Guidelines, 2015. Collection method: curation. Allele origin: germline. Affected: yes.
Comment: ACMG:PM2 PM3 PP3 BP2

Fulgent Genetics
Classification: Uncertain significance for Primary hyperoxaluria, type I. Last evaluated: 2022-02-28. Review status: criteria provided, single submitter. Criteria: ACMG Guidelines, 2015. Collection method: clinical testing. Allele origin: unknown.

Counsyl
Classification: Uncertain significance for Primary hyperoxaluria, type I. Last evaluated: 2017-10-24. Review status: no assertion criteria provided. Collection method: clinical testing. Allele origin: unknown. Not counted in ClinVar's aggregate classification.

Literature cited by the submitters: PubMed 27568336 (cited by Clinical Biochemistry Laboratory, Health Services Laboratory); PubMed 27935012 (cited by Clinical Biochemistry Laboratory, Health Services Laboratory and Counsyl).

NM_000030.3(AGXT):c.82C>T (p.Pro28Ser)

Gene: AGXT (alanine--glyoxylate aminotransferase; plus strand). Cytogenetic location: 2q37.3.
Variant type: single nucleotide variant.
Coding change: c.82C>T on transcript NM_000030.3 (MANE Select); coding-DNA position 82, C replaced by T.
Protein change: p.Pro28Ser; replaces proline 28 with serine.
Molecular consequence: missense variant.
Genome position (GRCh38, 1-based): chr2:240,868,947, C>T. VCF-style: chr2-240868947-C-T. GRCh37 (hg19) VCF-style: chr2-241808364-C-T.
Other names: short protein forms P28S.
Identifiers: ClinVar variation 554506 (VCV000554506.4), dbSNP rs376684240, ClinGen allele CA2208976.